The following is an entry in ClinVar:

ClinVar aggregate classification (germline): Conflicting classifications of pathogenicity. Review status: criteria provided, conflicting classifications (1 of 4 stars). 5 submissions from 5 submitters: Uncertain significance (4); Likely benign (1). Last evaluated 2026-08-04.

Conditions:
Hajdu-Cheney syndrome (HJCYS). Also called: SERPENTINE FIBULA-POLYCYSTIC KIDNEY SYNDROME; Acroosteolysis dominant type; ACROOSTEOLYSIS WITH OSTEOPOROSIS AND CHANGES IN SKULL AND MANDIBLE. Identifiers: Orphanet 955, MedGen C0917715, MONDO:0007057, OMIM 102500.
NOTCH2-related disorder. Also called: NOTCH2-related condition.
Alagille syndrome due to a NOTCH2 point mutation. Also called: Alagille syndrome 2. Identifiers: Orphanet 261629, Orphanet 52, MedGen C1857761, MONDO:0012439, OMIM 610205.

Allele frequency attached by ClinVar (database versions not stated): gnomAD exomes 0.00004; TOPMed 0.00006; ExAC 0.00008; gnomAD 0.00009 and 0.00010; 1000 Genomes Project 0.00020; 1000 Genomes Project 30x 0.00031; ESP Exome Variant Server 0.00015.
gnomAD v4.1: 132 of 1,608,484 alleles (0.0082%); highest among the groups gnomAD compares: Non-Finnish European, 0.0094%; no homozygotes.

Submissions (5):

PreventionGenetics, part of Exact Sciences
Classification: Uncertain significance for NOTCH2-related condition. Last evaluated: 2026-08-04. Review status: criteria provided, single submitter. Criteria: ACMG Guidelines, 2015. Collection method: clinical testing. Allele origin: germline.
Comment: The NOTCH2 c.3916G>A variant is predicted to result in the amino acid substitution p.Asp1306Asn. To our knowledge, this variant has not been reported in the literature. This variant is reported in 0.0089% of alleles in individuals of European (Non-Finnish) descent in gnomAD. Although we suspect that this variant may be benign, at this time, the clinical significance of this variant is uncertain due to the absence of conclusive functional and genetic evidence.

Labcorp Genetics (formerly Invitae), Labcorp
Classification: Uncertain significance for Hajdu-Cheney syndrome. Last evaluated: 2024-12-23. Review status: criteria provided, single submitter. Criteria: Invitae Variant Classification Sherloc (09022015). Collection method: clinical testing. Allele origin: germline.
Comment: This sequence change replaces aspartic acid, which is acidic and polar, with asparagine, which is neutral and polar, at codon 1306 of the NOTCH2 protein (p.Asp1306Asn). This variant is present in population databases (rs116408209, gnomAD 0.007%). This variant has not been reported in the literature in individuals affected with NOTCH2-related conditions. ClinVar contains an entry for this variant (Variation ID: 597664). Invitae Evidence Modeling of protein sequence and biophysical properties (such as structural, functional, and spatial information, amino acid conservation, physicochemical variation, residue mobility, and thermodynamic stability) indicates that this missense variant is not expected to disrupt NOTCH2 protein function with a negative predictive value of 80%. Algorithms developed to predict the effect of sequence changes on RNA splicing suggest that this variant may create or strengthen a splice site. In summary, the available evidence is currently insufficient to determine the role of this variant in disease. Therefore, it has been classified as a Variant of Uncertain Significance.

Blueprint Genetics
Classification: Likely benign. Last evaluated: 2024-09-11. Review status: criteria provided, single submitter. Criteria: ACMG Guidelines, 2015. Collection method: clinical testing. Allele origin: germline.

Fulgent Genetics
Classification: Uncertain significance for Hajdu-Cheney syndrome; Alagille syndrome due to a NOTCH2 point mutation. Last evaluated: 2022-05-06. Review status: criteria provided, single submitter. Criteria: ACMG Guidelines, 2015. Collection method: clinical testing. Allele origin: unknown.

Eurofins Ntd Llc (ga)
Classification: Uncertain significance. Last evaluated: 2018-06-23. Review status: criteria provided, single submitter. Criteria: EGL ClinVar v180209 classification definitions. Collection method: clinical testing. Allele origin: germline. Observed: 1 variant allele, 1 heterozygote.

NM_024408.4(NOTCH2):c.3916G>A (p.Asp1306Asn)

Gene: NOTCH2 (notch receptor 2; minus strand). Cytogenetic location: 1p12.
Variant type: single nucleotide variant.
Coding change: c.3916G>A on transcript NM_024408.4 (MANE Select); coding-DNA position 3916, G replaced by A.
Protein change: p.Asp1306Asn; replaces aspartic acid 1306 with asparagine.
Molecular consequence: missense variant.
Genome position (GRCh38, 1-based): chr1:119,926,588, C>T on the plus strand (G>A on the coding strand, the complement: NOTCH2 is on the minus strand). VCF-style: chr1-119926588-C-T. GRCh37 (hg19) VCF-style: chr1-120469211-C-T.
Other names: c.3916G>A (NM_024408.3); short protein forms D1306N.
Identifiers: ClinVar variation 597664 (VCV000597664.16), dbSNP rs116408209, ClinGen allele CA1039941.